The following is an entry in ClinVar:

ClinVar aggregate classification (germline): Pathogenic. Review status: criteria provided, multiple submitters, no conflicts (2 of 4 stars). 6 submissions from 6 submitters: Pathogenic (5). 1 of the submissions does not count toward it. Last evaluated 2025-06-19.

Conditions:
Pulmonary hypertension, primary, 2. Identifiers: Orphanet 422, MedGen C3888002, MONDO:0014134, OMIM 615342.

Allele frequency attached by ClinVar (database versions not stated): ExAC 0.00001; gnomAD 0.00001; TOPMed 0.00003; gnomAD exomes below 0.00001 and 0.00003.
gnomAD v4.1: 47 of 1,613,936 alleles (0.0029%); highest among the groups gnomAD compares: Non-Finnish European, 0.0037%; no homozygotes.

Submissions (6):

Variantyx, Inc.
Classification: Pathogenic for Pulmonary hypertension, primary, 2. Last evaluated: 2025-06-19. Review status: criteria provided, single submitter. Criteria: Variantyx Assertion Criteria 2022. Collection method: clinical testing. Allele origin: germline. Inheritance: Autosomal dominant inheritance. Affected: no.
Comment: This is a nonsense variant in the SMAD9 gene (OMIM: 603295). Pathogenic variants in this gene have been associated with autosomal dominant primary pulmonary hypertension, 2. This variant introduces a premature termination codon in exon 5 out of 7 and is expected to result in loss of function, which is a known disease mechanism for SMAD9 in this disorder (PMID: 21920918) (PVS1). It has been reported in at least 2 affected individuals (PMID: 29631995, 31727138) (PS4) and has a 0.0037% maximum allele frequency in non-founder control populations (PM2). Based on the current evidence, this variant is classified as pathogenic for autosomal dominant primary pulmonary hypertension, 2.

GeneDx
Classification: Pathogenic. Last evaluated: 2025-05-22. Review status: criteria provided, single submitter. Criteria: GeneDx Variant Classification Process June 2021. Collection method: clinical testing. Allele origin: germline. Affected: yes.
Comment: Published functional studies demonstrate a primary defect in non-canonical SMAD-mediated microRNA processing, consistent with a loss-of-function effect on the protein (PMID: 21920918); Nonsense variant predicted to result in protein truncation or nonsense mediated decay in a gene for which loss of function is a known mechanism of disease; Not observed at significant frequency in large population cohorts (gnomAD); This variant is associated with the following publications: (PMID: 25830521, 29650961, 29631995, 31727138, 35130036, 23590310, 21920918)

Labcorp Genetics (formerly Invitae), Labcorp
Classification: Pathogenic for Pulmonary hypertension, primary, 2. Last evaluated: 2025-02-25. Review status: criteria provided, single submitter. Criteria: Invitae Variant Classification Sherloc (09022015). Collection method: clinical testing. Allele origin: germline.
Comment: This sequence change creates a premature translational stop signal (p.Arg294*) in the SMAD9 gene. It is expected to result in an absent or disrupted protein product. Loss-of-function variants in SMAD9 are known to be pathogenic (PMID: 19419974, 31727138). This variant is present in population databases (rs397514716, gnomAD 0.002%). This premature translational stop signal has been observed in individual(s) with clinical features of SMAD9-related conditions (PMID: 21920918, 29631995, 29650961). ClinVar contains an entry for this variant (Variation ID: 56970). For these reasons, this variant has been classified as Pathogenic.

Fulgent Genetics
Classification: Pathogenic for Pulmonary hypertension, primary, 2. Last evaluated: 2024-04-03. Review status: criteria provided, single submitter. Criteria: ACMG Guidelines, 2015. Collection method: clinical testing. Allele origin: germline.

Revvity Omics, Revvity
Classification: Pathogenic for Pulmonary hypertension, primary, 2. Last evaluated: 2019-11-15. Review status: criteria provided, single submitter. Criteria: ACMG Guidelines, 2015. Collection method: clinical testing. Allele origin: germline.

OMIM
Classification: Pathogenic for PULMONARY HYPERTENSION, PRIMARY, 2. Last evaluated: 2011-12-15. Review status: no assertion criteria provided. Collection method: literature only. Allele origin: germline. Not counted in ClinVar's aggregate classification.

Literature cited by the submitters: PubMed 21920918 (cited by 3 submitters); PubMed 29631995 (cited by Variantyx, Inc. and Labcorp Genetics (formerly Invitae), Labcorp); PubMed 31727138 (cited by Variantyx, Inc. and Labcorp Genetics (formerly Invitae), Labcorp); PubMed 19419974 (cited by Labcorp Genetics (formerly Invitae), Labcorp); PubMed 29650961 (cited by Labcorp Genetics (formerly Invitae), Labcorp).

NM_001127217.3(SMAD9):c.880C>T (p.Arg294Ter)

Gene: SMAD9 (SMAD family member 9; minus strand). Cytogenetic location: 13q13.3.
Variant type: single nucleotide variant.
Coding change: c.880C>T on transcript NM_001127217.3 (MANE Select); coding-DNA position 880, C replaced by T.
Protein change: p.Arg294Ter; replaces arginine 294 with a stop codon.
Molecular consequence: nonsense.
Genome position (GRCh38, 1-based): chr13:36,865,660, G>A on the plus strand (C>T on the coding strand, the complement: SMAD9 is on the minus strand). VCF-style: chr13-36865660-G-A. GRCh37 (hg19) VCF-style: chr13-37439797-G-A.
Other names: p.R294*:CGA>TGA; c.769C>T, p.Arg257Ter (NM_001378621.1, NM_005905.6); short protein forms R294*, R257*.
Identifiers: ClinVar variation 56970 (VCV000056970.12), dbSNP rs397514716, ClinGen allele CA211296.